The following is an entry in ClinVar:

NM_001204.7(BMPR2):c.2625del (p.Gln875fs)

Gene: BMPR2 (bone morphogenetic protein receptor type 2; plus strand). Cytogenetic location: 2q33.2.
Variant type: Deletion.
Coding change: c.2625del on transcript NM_001204.7 (MANE Select); coding-DNA position 2625, one base deleted (A; older notation c.2625delA).
Protein change: p.Gln875fs; shifts the reading frame from glutamine 875.
Molecular consequence: frameshift variant.
Genome position (GRCh38, 1-based): chr2:202,556,290, A deleted; the last of 2 consecutive A bases (chr2:202,556,289-202,556,290); deleting either gives the same sequence. VCF-style (leftmost placement, unchanged base first): chr2-202556288-CA-C. GRCh37 (hg19) VCF-style: chr2-203421011-CA-C.
Other names: short protein forms Q875fs.
Identifiers: ClinVar variation 2418007 (VCV002418007.5), dbSNP rs2468744169, ClinGen allele CA2577215754.
Genomic context (GRCh38, chr2:202,556,288, plus strand): 5'-GACACCCGGCTGAATATTAATTCCAGTCCTGATGAGCATGAGCCTTTACTGAGACGAGAG[CA>C]ACAAGCTGGCCATGATGAAGGTGTTCTGGATCGTCTTGTGGACAGGAGGGAACGGCCACT-3'

ClinVar aggregate classification (germline): Pathogenic (1 of 4 stars; one submission).

Conditions:
Primary pulmonary hypertension. Also called: Idiopathic pulmonary hypertension. Identifiers: MedGen C0152171.

Submission:

Labcorp Genetics (formerly Invitae), Labcorp
Classification: Pathogenic for Primary pulmonary hypertension. Last evaluated: 2022-02-27. Review status: criteria provided, single submitter. Criteria: Invitae Variant Classification Sherloc (09022015). Collection method: clinical testing. Allele origin: germline.
Comment: This variant is not present in population databases (gnomAD no frequency). This sequence change creates a premature translational stop signal (p.Gln875Hisfs*21) in the BMPR2 gene. It is expected to result in an absent or disrupted protein product. Loss-of-function variants in BMPR2 are known to be pathogenic (PMID: 16429395). This variant has not been reported in the literature in individuals affected with BMPR2-related conditions. For these reasons, this variant has been classified as Pathogenic.

Literature cited by the submitters: PubMed 16429395.